The following is an entry in ClinVar:

NM_000540.3(RYR1):c.7018T>A (p.Phe2340Ile)

Gene: RYR1 (ryanodine receptor 1; plus strand). Cytogenetic location: 19q13.2.
Variant type: single nucleotide variant.
Coding change: c.7018T>A on transcript NM_000540.3 (MANE Select); coding-DNA position 7018, T replaced by A.
Protein change: p.Phe2340Ile; replaces phenylalanine 2340 with isoleucine.
Molecular consequence: missense variant.
Genome position (GRCh38, 1-based): chr19:38,499,234, T>A. VCF-style: chr19-38499234-T-A. GRCh37 (hg19) VCF-style: chr19-38989874-T-A.
Other names: c.7018T>A, p.Phe2340Ile (NM_001042723.2); short protein forms F2340I.
Identifiers: ClinVar variation 841702 (VCV000841702.9), dbSNP rs1969983957, ClinGen allele CA405667489.

ClinVar aggregate classification (germline): Uncertain significance (1 of 4 stars; one submission).

Conditions:
RYR1-related disorder. Also called: RYR1-related disorders; RYR1-related condition. Identifiers: MedGen CN239331.

Submission:

Labcorp Genetics (formerly Invitae), Labcorp
Classification: Uncertain significance for RYR1-related disorder. Last evaluated: 2019-01-14. Review status: criteria provided, single submitter. Criteria: Invitae Variant Classification Sherloc (09022015). Collection method: clinical testing. Allele origin: germline.
Comment: In summary, the available evidence is currently insufficient to determine the role of this variant in disease. Therefore, it has been classified as a Variant of Uncertain Significance. This variant disrupts the p.Phe2340 amino acid residue in RYR1. Other variant(s) that disrupt this residue (p.Phe2340Leu) have been observed in individuals with RYR1-related conditions (PMID: 25960145, 28259615), suggesting that it is a clinically significant residue. As a result, variants that disrupt this residue are likely to be causative of disease. Algorithms developed to predict the effect of missense changes on protein structure and function are either unavailable or do not agree on the potential impact of this missense change (SIFT: "Deleterious"; PolyPhen-2: "Possibly Damaging"; Align-GVGD: "Class C0"). This variant has not been reported in the literature in individuals with RYR1-related conditions. This variant is not present in population databases (ExAC no frequency). This sequence change replaces phenylalanine with isoleucine at codon 2340 of the RYR1 protein (p.Phe2340Ile). The phenylalanine residue is highly conserved and there is a small physicochemical difference between phenylalanine and isoleucine.

Literature cited by the submitters: PubMed 25960145; PubMed 28259615.